The following is an entry in ClinVar:

NM_001356.5(DDX3X):c.431A>G (p.Glu144Gly)

Gene: DDX3X (DEAD-box helicase 3 X-linked; plus strand). Cytogenetic location: Xp11.4.
Variant type: single nucleotide variant.
Coding change: c.431A>G on transcript NM_001356.5 (MANE Select); coding-DNA position 431, A replaced by G.
Protein change: p.Glu144Gly; replaces glutamic acid 144 with glycine.
Molecular consequence: missense variant. On other transcripts: 5 prime UTR variant (1), non-coding transcript variant (1).
Genome position (GRCh38, 1-based): chrX:41,342,641, A>G. VCF-style: chrX-41342641-A-G. GRCh37 (hg19) VCF-style: chrX-41201894-A-G.
Other names: c.431A>G, p.Glu144Gly (NM_001193416.3); c.383A>G, p.Glu128Gly (NM_001193417.3); c.-128A>G (NM_001363819.1); short protein forms E128G, E144G.
Identifiers: ClinVar variation 1704793 (VCV001704793.2), dbSNP rs2519509067, ClinGen allele CA412766679.

ClinVar aggregate classification (germline): Uncertain significance (1 of 4 stars; one submission).

Allele frequency attached by ClinVar (database versions not stated): gnomAD exomes below 0.00001.
gnomAD v4.1: 1 of 1,211,787 alleles (0.000083%); highest among the groups gnomAD compares: Non-Finnish European, 0.00011%; no homozygotes.

Submission:

GeneDx
Classification: Uncertain significance. Last evaluated: 2022-03-09. Review status: criteria provided, single submitter. Criteria: GeneDx Variant Classification Process June 2021. Collection method: clinical testing. Allele origin: germline. Affected: yes.
Comment: Not observed at significant frequency in large population cohorts (gnomAD); In silico analysis supports that this missense variant has a deleterious effect on protein structure/function; Has not been previously published as pathogenic or benign to our knowledge